The following is an entry in ClinVar:

ClinVar aggregate classification (germline): Uncertain significance. Review status: criteria provided, multiple submitters, no conflicts (2 of 4 stars). 3 submissions from 3 submitters: Uncertain significance (3). Last evaluated 2025-01-25.

Conditions:
Cataract 41 (CTRCT41). Also called: CATARACT 41, CONGENITAL NUCLEAR TYPE. Identifiers: Orphanet 91492, Orphanet 98991, Orphanet 98992, Orphanet 98995, MedGen C3805412, MONDO:0007287, OMIM 116400.
Wolfram syndrome 1 (WFS1). Identifiers: Orphanet 3463, MedGen C4551693, MONDO:0009101, OMIM 222300.
Autosomal dominant nonsyndromic hearing loss 6 (LFSNHL). Also called: DEAFNESS, AUTOSOMAL DOMINANT 6; DEAFNESS, AUTOSOMAL DOMINANT 14; DEAFNESS, AUTOSOMAL DOMINANT 38; Autosomal dominant nonsyndromic deafness 6. Identifiers: Orphanet 90635, MedGen C1833021, MONDO:0010963, OMIM 600965.
Wolfram-like syndrome. Also called: HEARING LOSS, PROGRESSIVE, WITH OPTIC ATROPHY AND/OR IMPAIRED GLUCOSE REGULATION. Identifiers: Orphanet 411590, MedGen C3280358, MONDO:0013673, OMIM 614296.
Type 2 diabetes mellitus. Also called: Type II diabetes mellitus. Identifiers: MedGen C0011860, MeSH D003924, MONDO:0005148, OMIM 125853, HP:0005978.

Allele frequency attached by ClinVar (database versions not stated): ExAC 0.00001; gnomAD exomes 0.00001; gnomAD 0.00002; TOPMed 0.00002.
gnomAD v4.1: 15 of 1,612,568 alleles (0.00093%); highest among the groups gnomAD compares: Admixed American, 0.005%; no homozygotes.

Submissions (3):

Labcorp Genetics (formerly Invitae), Labcorp
Classification: Uncertain significance. Last evaluated: 2025-01-25. Review status: criteria provided, single submitter. Criteria: Invitae Variant Classification Sherloc (09022015). Collection method: clinical testing. Allele origin: germline.
Comment: This sequence change replaces alanine, which is neutral and non-polar, with threonine, which is neutral and polar, at codon 738 of the WFS1 protein (p.Ala738Thr). This variant is present in population databases (rs563972671, gnomAD 0.003%). This variant has not been reported in the literature in individuals affected with WFS1-related conditions. ClinVar contains an entry for this variant (Variation ID: 1411656). Invitae Evidence Modeling of protein sequence and biophysical properties (such as structural, functional, and spatial information, amino acid conservation, physicochemical variation, residue mobility, and thermodynamic stability) indicates that this missense variant is not expected to disrupt WFS1 protein function with a negative predictive value of 95%. In summary, the available evidence is currently insufficient to determine the role of this variant in disease. Therefore, it has been classified as a Variant of Uncertain Significance.

GeneDx
Classification: Uncertain significance. Last evaluated: 2023-08-07. Review status: criteria provided, single submitter. Criteria: GeneDx Variant Classification Process June 2021. Collection method: clinical testing. Allele origin: germline. Affected: yes.
Comment: In silico analysis supports that this missense variant does not alter protein structure/function; Has not been previously published as pathogenic or benign to our knowledge

Fulgent Genetics
Classification: Uncertain significance for Cataract 41; Type 2 diabetes mellitus; Wolfram syndrome 1; Autosomal dominant nonsyndromic hearing loss 6; Wolfram-like syndrome. Last evaluated: 2021-10-01. Review status: criteria provided, single submitter. Criteria: ACMG Guidelines, 2015. Collection method: clinical testing. Allele origin: unknown.

NM_006005.3(WFS1):c.2212G>A (p.Ala738Thr)

Gene: WFS1 (wolframin ER transmembrane glycoprotein; plus strand). Cytogenetic location: 4p16.1.
Variant type: single nucleotide variant.
Coding change: c.2212G>A on transcript NM_006005.3 (MANE Select); coding-DNA position 2212, G replaced by A.
Protein change: p.Ala738Thr; replaces alanine 738 with threonine.
Molecular consequence: missense variant.
Genome position (GRCh38, 1-based): chr4:6,302,007, G>A. VCF-style: chr4-6302007-G-A. GRCh37 (hg19) VCF-style: chr4-6303734-G-A.
Other names: c.2212G>A, p.Ala738Thr (NM_001145853.1); short protein forms A738T.
Identifiers: ClinVar variation 1411656 (VCV001411656.8), dbSNP rs563972671, ClinGen allele CA2839646.